The following is an entry in ClinVar:

NM_001009944.3(PKD1):c.9119A>C (p.Gln3040Pro)

Gene: PKD1 (polycystin 1, transient receptor potential channel interacting; minus strand). Cytogenetic location: 16p13.3.
Variant type: single nucleotide variant.
Coding change: c.9119A>C on transcript NM_001009944.3 (MANE Select); coding-DNA position 9119, A replaced by C.
Protein change: p.Gln3040Pro; replaces glutamine 3040 with proline.
Molecular consequence: missense variant.
Genome position (GRCh38, 1-based): chr16:2,102,463, T>G on the plus strand (A>C on the coding strand, the complement: PKD1 is on the minus strand). VCF-style: chr16-2102463-T-G. GRCh37 (hg19) VCF-style: chr16-2152464-T-G.
Other names: c.9119A>C, p.Gln3040Pro (NM_000296.4); c.9119A>C (NM_001009944.2); short protein forms Q3040P.
Identifiers: ClinVar variation 993909 (VCV000993909.9), dbSNP rs2092136027, ClinGen allele CA394359051.
Genomic context (GRCh38, chr16:2,102,463, plus strand): 5'-CTTGGGGGCACGAAGAGGCTGGCGCCGAAGGCGGTGAGGTGGCGGGTGAGGCAGACGGCC[T>G]GGCGGGGCGAGGTCTCCTCCAGGGGCAGCAGCCCCTCTGTCCGCCACACCATGTCCTCCT-3'
Protein context (NP_001009944.3, residues 3030-3050): LLPLEETSPR[Gln3040Pro]AVCLTRHLTA

ClinVar aggregate classification (germline): Uncertain significance. Review status: criteria provided, multiple submitters, no conflicts (2 of 4 stars). 2 submissions from 2 submitters: Uncertain significance (2). Last evaluated 2022-10-09.

Conditions:
PKD1-related disorder. Also called: PKD1-related condition.
Polycystic kidney disease, adult type (PKD1). Also called: Polycystic Kidney Disease 1, Autosomal Dominant; Polycystic kidney disease 1; Polycystic kidney disease 1, severe; POLYCYSTIC KIDNEY DISEASE, ADULT, TYPE I; POLYCYSTIC KIDNEY DISEASE 1 WITH OR WITHOUT POLYCYSTIC LIVER DISEASE; Polycystic Kidney, Autosomal Dominant. Identifiers: MedGen C3149841, MONDO:0008263, OMIM 173900.

Submissions (2):

PreventionGenetics, part of Exact Sciences
Classification: Uncertain significance for PKD1-related condition. Last evaluated: 2022-10-09. Review status: criteria provided, single submitter. Criteria: ACMG Guidelines, 2015. Collection method: clinical testing. Allele origin: germline.
Comment: The PKD1 c.9119A>C variant is predicted to result in the amino acid substitution p.Gln3040Pro. To our knowledge, this variant has not been reported in the literature or in a large population database, indicating this variant is rare. The p.Gln3040 residue is highly conserved during evolution and rare substitutions at the flanking highly conserved residues have been reported in individuals with autosomal dominant polycystic kidney disease (ADPKD) (Human Gene Mutation Database - HGMD). Therefore, we suspect this variant is also pathogenic. At this time, however, the clinical significance of this variant is uncertain due to the absence of conclusive functional and genetic evidence.

ARUP Laboratories, Molecular Genetics and Genomics, ARUP Laboratories
Classification: Uncertain significance for Polycystic kidney disease, adult type. Last evaluated: 2019-11-19. Review status: criteria provided, single submitter. Criteria: ARUP Molecular Germline Variant Investigation Process. Collection method: clinical testing. Allele origin: germline.
Comment: The PKD1 c.9119A>C; p.Gln3040Pro variant, to our knowledge, is not reported in the medical literature or gene specific databases. This variant is also absent from general population databases (Exome Variant Server, Genome Aggregation Database), indicating it is not a common polymorphism. The glutamine at codon 3040 is highly conserved, and computational analyses (SIFT, PolyPhen-2) predict that this variant is deleterious. However, given the lack of clinical and functional data, the significance of this PKD1 variant is uncertain at this time.